The following is an entry in ClinVar:

ClinVar aggregate classification (germline): Uncertain significance (1 of 4 stars; one submission).

Conditions:
Hereditary cancer-predisposing syndrome. Also called: Neoplastic Syndromes, Hereditary; Tumor predisposition; Hereditary Cancer Syndrome; Hereditary neoplastic syndrome. Identifiers: Orphanet 140162, MedGen C0027672, MeSH D009386, MONDO:0015356.

gnomAD v4.1: 2 of 1,612,590 alleles (0.00012%); highest among the groups gnomAD compares: South Asian, 0.0011%; no homozygotes.

Submission:

Ambry Genetics
Classification: Uncertain significance for Hereditary cancer-predisposing syndrome. Last evaluated: 2025-06-15. Review status: criteria provided, single submitter. Criteria: Ambry Variant Classification Scheme 2023. Collection method: clinical testing. Allele origin: germline.
Comment: The p.E275K variant (also known as c.823G>A), located in coding exon 8 of the SDHB gene, results from a G to A substitution at nucleotide position 823. The glutamic acid at codon 275 is replaced by lysine, an amino acid with similar properties. This amino acid position is conserved. In addition, the in silico prediction for this alteration is inconclusive. Based on the available evidence, the clinical significance of this variant remains unclear.

NM_003000.3(SDHB):c.823G>A (p.Glu275Lys)

Gene: SDHB (succinate dehydrogenase complex iron sulfur subunit B; minus strand). Cytogenetic location: 1p36.13.
Variant type: single nucleotide variant.
Coding change: c.823G>A on transcript NM_003000.3 (MANE Select); coding-DNA position 823, G replaced by A.
Protein change: p.Glu275Lys; replaces glutamic acid 275 with lysine.
Molecular consequence: missense variant.
Genome position (GRCh38, 1-based): chr1:17,018,901, C>T on the plus strand (G>A on the coding strand, the complement: SDHB is on the minus strand). VCF-style: chr1-17018901-C-T. GRCh37 (hg19) VCF-style: chr1-17345396-C-T.
Other names: c.769G>A, p.Glu257Lys (NM_001407361.1); short protein forms E257K, E275K.
Identifiers: ClinVar variation 4161245 (VCV004161245.1).
Genomic context (GRCh38, chr1:17,018,901, plus strand): 5'-GCTCTGAGCTGGTTATAAATCATGTTTAGCATGGAAACAGTTAAACTGAAGCTTTCTTCT[C>T]CTTATAGGTTGCCATCATTTTCTTGATCTCTGCAATAGCTTTCCCTGGATTCAGACCCTT-3'
Protein context (NP_002991.2, residues 265-280): EIKKMMATYK[Glu275Lys]KKASV